The following is an entry in ClinVar:

ClinVar aggregate classification (germline): not provided (0 of 4 stars; one submission).

Allele frequency attached by ClinVar (database versions not stated): gnomAD exomes 0.00011; 1000 Genomes Project 0.00100; gnomAD 0.00107 and 0.00113; 1000 Genomes Project 30x 0.00109; TOPMed 0.00129.
gnomAD v4.1: 279 of 1,086,748 alleles (0.026%); highest among the groups gnomAD compares: African/African-American, 0.36%; 1 homozygote.

Submission:

Human Evolutionary Genetics, Institut Pasteur
No classification provided. Review status: no classification provided. Collection method: not provided. Allele origin: germline.
ClinVar note: Converted during submission from untested to not provided.

NM_001282144.2(NLRX1):c.230-120T>C

Gene: NLRX1 (NLR family member X1; plus strand). Cytogenetic location: 11q23.3.
Variant type: single nucleotide variant.
Coding change: c.230-120T>C on transcript NM_001282144.2 (MANE Select); 120 bases into the intron before coding-DNA position 230, T replaced by C.
Molecular consequence: intron variant.
Genome position (GRCh38, 1-based): chr11:119,173,359, T>C. VCF-style: chr11-119173359-T-C. GRCh37 (hg19) VCF-style: chr11-119044068-T-C.
Other names: c.230-120T>C (NM_001282358.2, NM_024618.4, NM_001282143.2).
Identifiers: ClinVar variation 103138 (VCV000103138.2), dbSNP rs199476037, ClinGen allele CA230174.